The following is an entry in ClinVar:

ClinVar aggregate classification (germline): Uncertain significance. Review status: criteria provided, multiple submitters, no conflicts (2 of 4 stars). 2 submissions from 2 submitters: Uncertain significance (2). Last evaluated 2019-08-08.

Allele frequency attached by ClinVar (database versions not stated): gnomAD 0.00006 and 0.00008; 1000 Genomes Project 30x 0.00047; 1000 Genomes Project 0.00060.
gnomAD v4.1: 140 of 1,613,342 alleles (0.0087%); highest among the groups gnomAD compares: South Asian, 0.052%; 2 homozygotes.

Submissions (2):

GeneDx
Classification: Uncertain significance. Last evaluated: 2019-08-08. Review status: criteria provided, single submitter. Criteria: GeneDx Variant Classification Process June 2021. Collection method: clinical testing. Allele origin: germline. Affected: yes.
Comment: Has not been previously published as pathogenic or benign to our knowledge; Not observed in large population cohorts (Lek et al., 2016); In silico analysis, which includes protein predictors and evolutionary conservation, supports that this variant does not alter protein structure/function

Breakthrough Genomics
Classification: Uncertain significance. Review status: criteria provided, single submitter. Criteria: ACMG Guidelines, 2015. Collection method: not provided. Allele origin: germline. Inheritance: Autosomal dominant inheritance. Affected: yes.

NM_001042545.2(LTBP4):c.3067G>A (p.Val1023Met)

Gene: LTBP4 (latent transforming growth factor beta binding protein 4; plus strand). Cytogenetic location: 19q13.2.
Variant type: single nucleotide variant.
Coding change: c.3067G>A on transcript NM_001042545.2 (MANE Select); coding-DNA position 3067, G replaced by A.
Protein change: p.Val1023Met; replaces valine 1023 with methionine.
Molecular consequence: missense variant.
Genome position (GRCh38, 1-based): chr19:40,617,222, G>A. VCF-style: chr19-40617222-G-A. GRCh37 (hg19) VCF-style: chr19-41123127-G-A.
Other names: c.3268G>A, p.Val1090Met (NM_001042544.1); c.3157G>A, p.Val1053Met (NM_003573.2); short protein forms V1023M, V1053M, V1090M.
Identifiers: ClinVar variation 1196943 (VCV001196943.3), dbSNP rs559351690, ClinGen allele CA9448887.